The following is an entry in ClinVar:

ClinVar aggregate classification (germline): Likely benign. Review status: criteria provided, multiple submitters, no conflicts (2 of 4 stars). 2 submissions from 2 submitters: Likely benign (2). Last evaluated 2026-03-26.

Conditions:
DST-related disorder. Also called: DST-related condition; DST-related disorders.
Epidermolysis bullosa simplex 3, localized or generalized intermediate, with BP230 deficiency (EBS3). Also called: Epidermolysis bullosa simplex, autosomal recessive 2; Epidermolysis bullosa simplex due to BP230 deficiency. Identifiers: Orphanet 412181, MedGen C3809470, MONDO:0014180, OMIM 615425.
Hereditary sensory and autonomic neuropathy type 6. Also called: HSAN VI; Neuropathy, hereditary sensory and autonomic, type VI. Identifiers: Orphanet 314381, MedGen C3539003, MONDO:0013839, OMIM 614653.

Allele frequency attached by ClinVar (database versions not stated): gnomAD exomes 0.00001 and 0.00003; ExAC 0.00006; ESP Exome Variant Server 0.00015; gnomAD 0.00015 and 0.00017; TOPMed 0.00017.
gnomAD v4.1: 45 of 1,613,796 alleles (0.0028%); highest among the groups gnomAD compares: African/African-American, 0.055%; no homozygotes.

Submissions (2):

PreventionGenetics, part of Exact Sciences
Classification: Likely benign for DST-related condition. Last evaluated: 2026-03-26. Review status: criteria provided, single submitter. Criteria: ACMG Guidelines, 2015. Collection method: clinical testing. Allele origin: germline.
Comment: This variant is classified as likely benign based on ACMG/AMP sequence variant interpretation guidelines (Richards et al. 2015 PMID: 25741868, with internal and published modifications).

Labcorp Genetics (formerly Invitae), Labcorp
Classification: Likely benign for Epidermolysis bullosa simplex 3, localized or generalized intermediate, with BP230 deficiency; Hereditary sensory and autonomic neuropathy type 6. Last evaluated: 2024-05-29. Review status: criteria provided, single submitter. Criteria: Invitae Variant Classification Sherloc (09022015). Collection method: clinical testing. Allele origin: germline.

NM_001723.7(DST):c.6120C>T (p.Pro2040=)

Gene: DST (dystonin; minus strand). Cytogenetic location: 6p12.1.
Variant type: single nucleotide variant.
Coding change: c.6120C>T on transcript NM_001723.7 (MANE Plus Clinical); coding-DNA position 6120, C replaced by T.
Protein change: p.Pro2040=; no amino-acid change (proline 2040 retained).
Molecular consequence: synonymous variant. On other transcripts: intron variant (10).
Genome position (GRCh38, 1-based): chr6:56,617,347, G>A on the plus strand (C>T on the coding strand, the complement: DST is on the minus strand). VCF-style: chr6-56617347-G-A. GRCh37 (hg19) VCF-style: chr6-56482145-G-A.
Other names: c.4831-2863C>T (NM_001144769.5); c.4930-2863C>T (NM_001374722.1, NM_001374736.1); c.4957-2863C>T (NM_001374734.1); c.4417-2863C>T (NM_001144770.2); c.4297-2863C>T (NM_001374730.1, NM_001386100.1, NM_183380.4 and 1 more transcripts); c.3319-2863C>T (NM_015548.5).
Identifiers: ClinVar variation 474537 (VCV000474537.10), dbSNP rs370483824, ClinGen allele CA3870224.